The following is an entry in ClinVar:

ClinVar aggregate classification (germline): Uncertain significance. Review status: criteria provided, multiple submitters, no conflicts (2 of 4 stars). 3 submissions from 3 submitters: Uncertain significance (3). Last evaluated 2024-08-08.

Conditions:
Osteogenesis imperfecta type 11. Also called: Osteogenesis imperfecta, type XI; OI, TYPE XI. Identifiers: Orphanet 666, MedGen C3151218, MONDO:0012592, OMIM 610968.

Allele frequency attached by ClinVar (database versions not stated): TOPMed 0.00006; gnomAD 0.00007; gnomAD exomes 0.00010 and 0.00019; ExAC 0.00012; ESP Exome Variant Server 0.00023.
gnomAD v4.1: 285 of 1,614,016 alleles (0.018%); highest among the groups gnomAD compares: Non-Finnish European, 0.023%; no homozygotes.

Submissions (3):

Blueprint Genetics
Classification: Uncertain significance. Last evaluated: 2024-08-08. Review status: criteria provided, single submitter. Criteria: ACMG Guidelines, 2015. Collection method: clinical testing. Allele origin: germline.

Illumina Laboratory Services, Illumina
Classification: Uncertain significance for Osteogenesis imperfecta type 11. Last evaluated: 2018-01-12. Review status: criteria provided, single submitter. Criteria: ICSL Variant Classification Criteria 13 December 2019. Collection method: clinical testing. Allele origin: germline.

ARUP Laboratories, Molecular Genetics and Genomics, ARUP Laboratories
Classification: Uncertain significance. Last evaluated: 2017-12-28. Review status: criteria provided, single submitter. Criteria: ARUP Molecular Germline Variant Investigation Process. Collection method: clinical testing. Allele origin: germline.
Comment: The FKBP10 p.Pro519Leu variant (rs140883152) has not been reported in the medical literature, gene specific variation databases, nor has it been previously identified by our laboratory. This variant is listed in the genome Aggregation Database (gnomAD) with an overall population frequency of 0.01 percent (identified on 27 out of 277,006 chromosomes). The proline at position 519 is moderately conserved (considering 14 species) (Alamut v.2.10.0) and computational analyses of the effects of the p.Pro519Leu variant on protein structure and function predict a neutral effect (SIFT: tolerated, MutationTaster: polymorphism, PolyPhen-2: benign). Altogether, there is not enough evidence to classify the p.Pro519Leu variant with certainty.

NM_021939.4(FKBP10):c.1556C>T (p.Pro519Leu)

Gene: FKBP10 (FKBP prolyl isomerase 10; plus strand). Cytogenetic location: 17q21.2.
Variant type: single nucleotide variant.
Coding change: c.1556C>T on transcript NM_021939.4 (MANE Select); coding-DNA position 1556, C replaced by T.
Protein change: p.Pro519Leu; replaces proline 519 with leucine.
Molecular consequence: missense variant.
Genome position (GRCh38, 1-based): chr17:41,821,810, C>T. VCF-style: chr17-41821810-C-T. GRCh37 (hg19) VCF-style: chr17-39978062-C-T.
Other names: short protein forms P519L.
Identifiers: ClinVar variation 618655 (VCV000618655.13), dbSNP rs140883152, ClinGen allele CA8566675.